The following is an entry in ClinVar:

NM_003786.4(ABCC3):c.2382C>T (p.Ile794=)

Gene: ABCC3 (ATP binding cassette subfamily C member 3; plus strand). Cytogenetic location: 17q21.33.
Variant type: single nucleotide variant.
Coding change: c.2382C>T on transcript NM_003786.4 (MANE Select); coding-DNA position 2382, C replaced by T.
Protein change: p.Ile794=; no amino-acid change (isoleucine 794 retained).
Molecular consequence: synonymous variant.
Genome position (GRCh38, 1-based): chr17:50,673,111, C>T. VCF-style: chr17-50673111-C-T. GRCh37 (hg19) VCF-style: chr17-48750472-C-T.
Identifiers: ClinVar variation 735661 (VCV000735661.27), dbSNP rs149910028, ClinGen allele CA8654775.

ClinVar aggregate classification (germline): Likely benign. Review status: criteria provided, multiple submitters, no conflicts (2 of 4 stars). 2 submissions from 2 submitters: Likely benign (2). Last evaluated 2023-01-01.

Allele frequency attached by ClinVar (database versions not stated): ExAC 0.00010; TOPMed 0.00013; ESP Exome Variant Server 0.00015; gnomAD 0.00006 and 0.00007; gnomAD exomes 0.00007.
gnomAD v4.1: 109 of 1,613,912 alleles (0.0068%); highest among the groups gnomAD compares: Middle Eastern, 0.016%; 1 homozygote.

Submissions (2):

CeGaT Center for Human Genetics Tuebingen
Classification: Likely benign. Last evaluated: 2023-01-01. Review status: criteria provided, single submitter. Criteria: CeGaT Center For Human Genetics Tuebingen Variant Classification Criteria Version 2. Collection method: clinical testing. Allele origin: germline. Affected: yes. Observed: 1 variant allele.
Comment: ABCC3: BP4, BP7

Labcorp Genetics (formerly Invitae), Labcorp
Classification: Likely benign. Last evaluated: 2018-03-07. Review status: criteria provided, single submitter. Criteria: Invitae Variant Classification Sherloc (09022015). Collection method: clinical testing. Allele origin: germline.